The following is an entry in ClinVar:

NM_001368067.1(LDB3):c.349G>C (p.Asp117His)

Genes: LDB3 (LIM domain binding 3; plus strand), LOC110121486 (VISTA enhancer hs2143; plus strand). Cytogenetic location: 10q23.2.
Variant type: single nucleotide variant.
Coding change: c.349G>C on transcript NM_001368067.1 (MANE Plus Clinical); coding-DNA position 349, G replaced by C.
Protein change: p.Asp117His; replaces aspartic acid 117 with histidine.
Molecular consequence: missense variant. On other transcripts: intron variant (5).
Genome position (GRCh38, 1-based): chr10:86,687,073, G>C. VCF-style: chr10-86687073-G-C. GRCh37 (hg19) VCF-style: chr10-88446830-G-C.
Other names: c.349G>C, p.Asp117His (NM_001080114.2, NM_001080116.1, NM_001368066.1 and 1 more transcripts); c.694G>C, p.Asp232His (NM_001171610.2, NM_001171611.2); c.690-4823G>C (NM_001368064.1, NM_001368063.1, NM_007078.3 and 2 more transcripts); short protein forms D117H, D232H.
Identifiers: ClinVar variation 1524082 (VCV001524082.8), dbSNP rs121908338, ClinGen allele CA5584805.

ClinVar aggregate classification (germline): Uncertain significance (1 of 4 stars; one submission).

Conditions:
Myofibrillar myopathy 4. Also called: Zaspopathy (type). Identifiers: Orphanet 98912, MedGen C4721886, MONDO:0012277, OMIM 609452.

gnomAD v4.1: 2 of 1,613,672 alleles (0.00012%); highest among the groups gnomAD compares: African/African-American, 0.0027%; no homozygotes.

Submission:

Labcorp Genetics (formerly Invitae), Labcorp
Classification: Uncertain significance for Myofibrillar myopathy 4. Last evaluated: 2022-03-18. Review status: criteria provided, single submitter. Criteria: Invitae Variant Classification Sherloc (09022015). Collection method: clinical testing. Allele origin: germline.
Comment: This sequence change replaces aspartic acid, which is acidic and polar, with histidine, which is basic and polar, at codon 117 of the LDB3 protein (p.Asp117His). Algorithms developed to predict the effect of missense changes on protein structure and function (SIFT, PolyPhen-2, Align-GVGD) all suggest that this variant is likely to be tolerated. In summary, the available evidence is currently insufficient to determine the role of this variant in disease. Therefore, it has been classified as a Variant of Uncertain Significance. This variant has not been reported in the literature in individuals affected with LDB3-related conditions. This variant is present in population databases (rs121908338, gnomAD 0.01%).